The following is an entry in ClinVar:

NM_000222.3(KIT):c.135C>A (p.Asp45Glu)

Gene: KIT (KIT proto-oncogene, receptor tyrosine kinase; plus strand). Cytogenetic location: 4q12.
Variant type: single nucleotide variant.
Coding change: c.135C>A on transcript NM_000222.3 (MANE Select); coding-DNA position 135, C replaced by A.
Protein change: p.Asp45Glu; replaces aspartic acid 45 with glutamic acid.
Molecular consequence: missense variant.
Genome position (GRCh38, 1-based): chr4:54,695,579, C>A. VCF-style: chr4-54695579-C-A. GRCh37 (hg19) VCF-style: chr4-55561745-C-A.
Other names: c.135C>A, p.Asp45Glu (NM_001093772.2, NM_001385284.1, NM_001385285.1 and 4 more transcripts); short protein forms D45E.
Identifiers: ClinVar variation 409740 (VCV000409740.14), dbSNP rs1060502551, ClinGen allele CA16611512.

ClinVar aggregate classification (germline): Conflicting classifications of pathogenicity. Review status: criteria provided, conflicting classifications (1 of 4 stars). 3 submissions from 3 submitters: Uncertain significance (1); Benign (1). 1 of the submissions does not count toward it. Last evaluated 2025-11-25.

Conditions:
Hereditary cancer-predisposing syndrome. Also called: Neoplastic Syndromes, Hereditary; Hereditary Cancer Syndrome; Hereditary neoplastic syndrome; Tumor predisposition. Identifiers: Orphanet 140162, MedGen C0027672, MeSH D009386, MONDO:0015356.
Gastrointestinal stromal tumor. Also called: Gastrointestinal stroma tumor; Gastrointestinal stromal tumor, somatic. Identifiers: Orphanet 44890, MedGen C0238198, MeSH D046152, MONDO:0011719, OMIM 606764, HP:0100723.
KIT-related disorder. Also called: KIT-related condition.

Allele frequency attached by ClinVar (database versions not stated): gnomAD exomes below 0.00001; gnomAD 0.00001; TOPMed 0.00002.
gnomAD v4.1: 2 of 1,614,088 alleles (0.00012%); highest among the groups gnomAD compares: Admixed American, 0.0017%; no homozygotes.

Submissions (3):

Labcorp Genetics (formerly Invitae), Labcorp
Classification: Uncertain significance for Gastrointestinal stromal tumor. Last evaluated: 2025-11-25. Review status: criteria provided, single submitter. Criteria: Invitae Variant Classification Sherloc (09022015). Collection method: clinical testing. Allele origin: germline.
Comment: This sequence change replaces aspartic acid, which is acidic and polar, with glutamic acid, which is acidic and polar, at codon 45 of the KIT protein (p.Asp45Glu). This variant is not present in population databases (gnomAD no frequency). This variant has not been reported in the literature in individuals affected with KIT-related conditions. ClinVar contains an entry for this variant (Variation ID: 409740). An algorithm developed to predict the effect of missense changes on protein structure and function outputs the following: PolyPhen-2: "Benign". The glutamic acid amino acid residue is found in multiple mammalian species, which suggests that this missense change does not adversely affect protein function. In summary, the available evidence is currently insufficient to determine the role of this variant in disease. Therefore, it has been classified as a Variant of Uncertain Significance.

Ambry Genetics
Classification: Benign for Hereditary cancer-predisposing syndrome. Last evaluated: 2024-12-06. Review status: criteria provided, single submitter. Criteria: Ambry Variant Classification Scheme 2023. Collection method: clinical testing. Allele origin: germline.

PreventionGenetics, part of Exact Sciences
Classification: Uncertain significance for KIT-related condition. Last evaluated: 2024-07-30. Review status: no assertion criteria provided. Collection method: clinical testing. Allele origin: germline. Not counted in ClinVar's aggregate classification.
Comment: The KIT c.135C>A variant is predicted to result in the amino acid substitution p.Asp45Glu. To our knowledge, this variant has not been reported in the literature or in a large population database, indicating this variant is rare. This variant has conflicting classifications listed in ClinVar ranging from likely benign to uncertain. At this time, the clinical significance of this variant is uncertain due to the absence of conclusive functional and genetic evidence.